The following is an entry in ClinVar:

NM_001003694.2(BRPF1):c.487C>G (p.His163Asp)

Gene: BRPF1 (bromodomain and PHD finger containing 1; plus strand). Cytogenetic location: 3p25.3.
Variant type: single nucleotide variant.
Coding change: c.487C>G on transcript NM_001003694.2 (MANE Select); coding-DNA position 487, C replaced by G.
Protein change: p.His163Asp; replaces histidine 163 with aspartic acid.
Molecular consequence: missense variant. On other transcripts: non-coding transcript variant (1).
Genome position (GRCh38, 1-based): chr3:9,734,627, C>G. VCF-style: chr3-9734627-C-G. GRCh37 (hg19) VCF-style: chr3-9776311-C-G.
Other names: c.487C>G, p.His163Asp (NM_001319049.2, NM_001319050.2, NM_001410704.1 and 1 more transcripts); short protein forms H163D.
Identifiers: ClinVar variation 2446072 (VCV002446072.1), dbSNP rs754015420, ClinGen allele CA351681007.

ClinVar aggregate classification (germline): Uncertain significance (1 of 4 stars; one submission).

Submission:

GeneDx
Classification: Uncertain significance. Last evaluated: 2022-09-27. Review status: criteria provided, single submitter. Criteria: GeneDx Variant Classification Process June 2021. Collection method: clinical testing. Allele origin: germline. Affected: yes.
Comment: Not observed at significant frequency in large population cohorts (gnomAD); In silico analysis supports that this missense variant does not alter protein structure/function; Has not been previously published as pathogenic or benign to our knowledge